The following is an entry in ClinVar:

ClinVar aggregate classification (germline): Conflicting classifications of pathogenicity. Review status: criteria provided, conflicting classifications (1 of 4 stars). 4 submissions from 4 submitters: Uncertain significance (3); Benign (1). Last evaluated 2025-09-16.

Conditions:
Bethlem myopathy 1A. Also called: Bethlem myopathy 1; MYOPATHY, BENIGN CONGENITAL, WITH CONTRACTURES; Bethlem Muscular Dystrophy. Identifiers: Orphanet 610, MedGen CN029274, MONDO:0024530, OMIM 158810.

Allele frequency attached by ClinVar (database versions not stated): gnomAD exomes 0.00002 and below 0.00001; ESP Exome Variant Server 0.00008; gnomAD 0.00009; TOPMed 0.00009; ExAC 0.00002.
gnomAD v4.1: 19 of 1,613,960 alleles (0.0012%); highest among the groups gnomAD compares: African/African-American, 0.021%; no homozygotes.

Submissions (4):

Labcorp Genetics (formerly Invitae), Labcorp
Classification: Benign for Bethlem myopathy 1A. Last evaluated: 2025-09-16. Review status: criteria provided, single submitter. Criteria: Invitae Variant Classification Sherloc (09022015). Collection method: clinical testing. Allele origin: germline.

GeneDx
Classification: Uncertain significance. Last evaluated: 2024-10-11. Review status: criteria provided, single submitter. Criteria: GeneDx Variant Classification Process June 2021. Collection method: clinical testing. Allele origin: germline. Affected: yes.
Comment: In silico analysis supports that this missense variant has a deleterious effect on protein structure/function; Has not been previously published as pathogenic or benign to our knowledge

Revvity Omics, Revvity
Classification: Uncertain significance. Last evaluated: 2020-02-25. Review status: criteria provided, single submitter. Criteria: ACMG Guidelines, 2015. Collection method: clinical testing. Allele origin: germline.

Eurofins Ntd Llc (ga)
Classification: Uncertain significance. Last evaluated: 2017-11-16. Review status: criteria provided, single submitter. Criteria: EGL Classification Definitions 2015. Collection method: clinical testing. Allele origin: germline. Observed: 1 variant allele, 1 heterozygote.

NM_004369.4(COL6A3):c.9059A>G (p.Tyr3020Cys)

Gene: COL6A3 (collagen type VI alpha 3 chain; minus strand). Cytogenetic location: 2q37.3.
Variant type: single nucleotide variant.
Coding change: c.9059A>G on transcript NM_004369.4 (MANE Select); coding-DNA position 9059, A replaced by G.
Protein change: p.Tyr3020Cys; replaces tyrosine 3020 with cysteine.
Molecular consequence: missense variant.
Genome position (GRCh38, 1-based): chr2:237,334,796, T>C on the plus strand (A>G on the coding strand, the complement: COL6A3 is on the minus strand). VCF-style: chr2-237334796-T-C. GRCh37 (hg19) VCF-style: chr2-238243439-T-C.
Other names: c.7238A>G, p.Tyr2413Cys (NM_057166.5); c.8441A>G, p.Tyr2814Cys (NM_057167.4); short protein forms Y3020C, Y2413C, Y2814C.
Identifiers: ClinVar variation 575062 (VCV000575062.18), dbSNP rs371006546, ClinGen allele CA2187368.